The following is an entry in ClinVar:

NM_030877.5(CTNNBL1):c.1353A>G (p.Ala451=)

Gene: CTNNBL1 (catenin beta like 1; plus strand). Cytogenetic location: 20q11.23.
Variant type: single nucleotide variant.
Coding change: c.1353A>G on transcript NM_030877.5 (MANE Select); coding-DNA position 1353, A replaced by G.
Protein change: p.Ala451=; no amino-acid change (alanine 451 retained).
Molecular consequence: synonymous variant.
Genome position (GRCh38, 1-based): chr20:37,842,380, A>G. VCF-style: chr20-37842380-A-G. GRCh37 (hg19) VCF-style: chr20-36470782-A-G.
Other names: NC_000020.10:g.36470782A>G; c.1272A>G, p.Ala424= (NM_001281495.2).
Identifiers: ClinVar variation 2652306 (VCV002652306.26), dbSNP rs147450818, ClinGen allele CA9848640.

ClinVar aggregate classification (germline): Likely benign. Review status: criteria provided, multiple submitters, no conflicts (2 of 4 stars). 2 submissions from 2 submitters: Likely benign (2). Last evaluated 2025-03-01.

Allele frequency attached by ClinVar (database versions not stated): 1000 Genomes Project 0.00020; 1000 Genomes Project 30x 0.00047; ESP Exome Variant Server 0.00054; gnomAD 0.00061; ExAC 0.00074.
gnomAD v4.1: 752 of 1,613,986 alleles (0.047%); highest among the groups gnomAD compares: Middle Eastern, 0.13%; no homozygotes.

Submissions (9):

CeGaT Center for Human Genetics Tuebingen
Classification: Likely benign. Last evaluated: 2025-03-01. Review status: criteria provided, single submitter. Criteria: CeGaT Center For Human Genetics Tuebingen Variant Classification Criteria Version 2. Collection method: clinical testing. Allele origin: germline. Affected: yes. Observed: 2 variant alleles.
Comment: CTNNBL1: BP4, BP7

Blueprint Genetics
Classification: Likely benign. Last evaluated: 2024-11-22. Review status: criteria provided, single submitter. Criteria: ACMG Guidelines, 2015. Collection method: clinical testing. Allele origin: germline.

Dr. Peter K. Rogan Lab, Western University
No classification provided (evidence only). Condition: Lung cancer. Review status: no classification provided. Collection method: in vitro. Allele origin: not applicable. Functional consequence: retained intron. Not counted in ClinVar's aggregate classification.

Dr. Peter K. Rogan Lab, Western University
No classification provided (evidence only). Condition: Colon adenocarcinoma. Review status: no classification provided. Collection method: in vitro. Allele origin: not applicable. Functional consequence: retained intron. Not counted in ClinVar's aggregate classification.

Dr. Peter K. Rogan Lab, Western University
No classification provided (evidence only). Condition: Cervical cancer. Review status: no classification provided. Collection method: in vitro. Allele origin: not applicable. Functional consequence: retained intron. Not counted in ClinVar's aggregate classification.

Dr. Peter K. Rogan Lab, Western University
No classification provided (evidence only). Condition: Cervical cancer. Review status: no classification provided. Collection method: in vitro. Allele origin: not applicable. Functional consequence: retained intron. Not counted in ClinVar's aggregate classification.

Dr. Peter K. Rogan Lab, Western University
No classification provided (evidence only). Condition: Cervical cancer. Review status: no classification provided. Collection method: in vitro. Allele origin: not applicable. Functional consequence: retained intron. Not counted in ClinVar's aggregate classification.

Dr. Peter K. Rogan Lab, Western University
No classification provided (evidence only). Condition: Gastric cancer. Review status: no classification provided. Collection method: in vitro. Allele origin: not applicable. Functional consequence: retained intron. Not counted in ClinVar's aggregate classification.

Dr. Peter K. Rogan Lab, Western University
No classification provided (evidence only). Condition: Gastric cancer. Review status: no classification provided. Collection method: in vitro. Allele origin: not applicable. Functional consequence: retained intron. Not counted in ClinVar's aggregate classification.